The following is an entry in ClinVar:

NM_004836.7(EIF2AK3):c.3043T>G (p.Phe1015Val)

Genes: EIF2AK3 (eukaryotic translation initiation factor 2 alpha kinase 3; minus strand), EIF2AK3-AS1 (EIF2AK3 antisense RNA 1; plus strand). Cytogenetic location: 2p11.2.
Variant type: single nucleotide variant.
Coding change: c.3043T>G on transcript NM_004836.7 (MANE Select); coding-DNA position 3043, T replaced by G.
Protein change: p.Phe1015Val; replaces phenylalanine 1015 with valine.
Molecular consequence: missense variant.
Genome position (GRCh38, 1-based): chr2:88,562,333, A>C on the plus strand (T>G on the coding strand, the complement: EIF2AK3 is on the minus strand). VCF-style: chr2-88562333-A-C. GRCh37 (hg19) VCF-style: chr2-88861851-A-C.
Other names: c.2590T>G, p.Phe864Val (NM_001313915.2); short protein forms F1015V, F864V.
Identifiers: ClinVar variation 1901378 (VCV001901378.2), dbSNP rs1398272432, ClinGen allele CA347585281.

ClinVar aggregate classification (germline): Uncertain significance (1 of 4 stars; one submission).

Allele frequency attached by ClinVar (database versions not stated): gnomAD 0.00001; TOPMed 0.00001.
gnomAD v4.1: 7 of 1,614,020 alleles (0.00043%); highest among the groups gnomAD compares: Non-Finnish European, 0.00059%; no homozygotes.

Submission:

Labcorp Genetics (formerly Invitae), Labcorp
Classification: Uncertain significance. Last evaluated: 2022-01-08. Review status: criteria provided, single submitter. Criteria: Invitae Variant Classification Sherloc (09022015). Collection method: clinical testing. Allele origin: germline.
Comment: This sequence change replaces phenylalanine, which is neutral and non-polar, with valine, which is neutral and non-polar, at codon 1015 of the EIF2AK3 protein (p.Phe1015Val). This variant is present in population databases (no rsID available, gnomAD 0.007%). This variant has not been reported in the literature in individuals affected with EIF2AK3-related conditions. Algorithms developed to predict the effect of missense changes on protein structure and function are either unavailable or do not agree on the potential impact of this missense change (SIFT: "Deleterious"; PolyPhen-2: "Probably Damaging"; Align-GVGD: "Class C0"). Algorithms developed to predict the effect of sequence changes on RNA splicing suggest that this variant may create or strengthen a splice site. In summary, the available evidence is currently insufficient to determine the role of this variant in disease. Therefore, it has been classified as a Variant of Uncertain Significance.